The following is an entry in ClinVar:

ClinVar aggregate classification (germline): Uncertain significance. Review status: criteria provided, multiple submitters, no conflicts (2 of 4 stars). 2 submissions from 2 submitters: Uncertain significance (2). Last evaluated 2025-11-27.

Allele frequency attached by ClinVar (database versions not stated): gnomAD 0.00002; TOPMed 0.00001; ExAC 0.00001; gnomAD exomes 0.00002.
gnomAD v4.1: 31 of 1,614,050 alleles (0.0019%); highest among the groups gnomAD compares: Non-Finnish European, 0.0025%; no homozygotes.

Submissions (2):

Dasa
Classification: Uncertain significance. Last evaluated: 2025-11-27. Review status: criteria provided, single submitter. Criteria: DASA Assertion Criteria. Collection method: clinical testing. Allele origin: germline.
Comment: NM_001379291.1(BRD4):c.127A>G (p.Thr43Ala) is a missense variant that results in the substitution of threonine with alanine. This variant is rare in population databases. Computational prediction algorithms are consistent with a benign effect. The currently available literature and clinical evidence are not sufficient to establish a definitive association between this variant and the reported condition. Therefore, this variant is classified as a variant of uncertain significance.

Labcorp Genetics (formerly Invitae), Labcorp
Classification: Uncertain significance. Last evaluated: 2025-02-18. Review status: criteria provided, single submitter. Criteria: Invitae Variant Classification Sherloc (09022015). Collection method: clinical testing. Allele origin: germline.
Comment: This sequence change replaces threonine, which is neutral and polar, with alanine, which is neutral and non-polar, at codon 43 of the BRD4 protein (p.Thr43Ala). This variant is present in population databases (rs201234217, gnomAD 0.002%). This variant has not been reported in the literature in individuals affected with BRD4-related conditions. ClinVar contains an entry for this variant (Variation ID: 2872467). Invitae Evidence Modeling of protein sequence and biophysical properties (such as structural, functional, and spatial information, amino acid conservation, physicochemical variation, residue mobility, and thermodynamic stability) indicates that this missense variant is not expected to disrupt BRD4 protein function with a negative predictive value of 80%. In summary, the available evidence is currently insufficient to determine the role of this variant in disease. Therefore, it has been classified as a Variant of Uncertain Significance.

NM_001379291.1(BRD4):c.127A>G (p.Thr43Ala)

Gene: BRD4 (bromodomain containing 4; minus strand). Cytogenetic location: 19p13.12.
Variant type: single nucleotide variant.
Coding change: c.127A>G on transcript NM_001379291.1 (MANE Select); coding-DNA position 127, A replaced by G.
Protein change: p.Thr43Ala; replaces threonine 43 with alanine.
Molecular consequence: missense variant.
Genome position (GRCh38, 1-based): chr19:15,272,973, T>C on the plus strand (A>G on the coding strand, the complement: BRD4 is on the minus strand). VCF-style: chr19-15272973-T-C. GRCh37 (hg19) VCF-style: chr19-15383784-T-C.
Other names: c.127A>G, p.Thr43Ala (NM_001330384.2, NM_001379292.1, NM_014299.3 and 1 more transcripts); short protein forms T43A.
Identifiers: ClinVar variation 2872467 (VCV002872467.5), dbSNP rs201234217, ClinGen allele CA9265716.
Genomic context (GRCh38, chr19:15,272,973, plus strand): 5'-GTTGGTTGGTCTGCCTCTTGGGCTTGTTAGGGTTGGAGGTCTCTGGGGGCGGGGGGTTGG[T>C]GCTGGCTGCGTTGGCTGGCTGGGGTTGGGCCTGGGCCTGTGTTGTAGACATTTGGGAAGT-3'
Protein context (NP_001366220.1, residues 33-53): AQPQPANAAS[Thr43Ala]NPPPPETSNP